The following is an entry in ClinVar:

ClinVar aggregate classification (germline): Uncertain significance (0 of 4 stars; one submission).

Allele frequency attached by ClinVar (database versions not stated): ExAC 0.00001.

Submission:

Richard Lifton Laboratory, Yale University School of Medicine
Classification: Uncertain significance. Review status: no assertion criteria provided. Collection method: not provided. Allele origin: somatic.
Comment: ABLIM3
ClinVar note: Converted during submission from unknown to Uncertain significance.

NM_014945.5(ABLIM3):c.1665G>A (p.Leu555=)

Gene: ABLIM3 (actin binding LIM protein family member 3; plus strand). Cytogenetic location: 5q32.
Variant type: single nucleotide variant.
Coding change: c.1665G>A on transcript NM_014945.5 (MANE Select); coding-DNA position 1665, G replaced by A.
Protein change: p.Leu555=; no amino-acid change (leucine 555 retained).
Molecular consequence: synonymous variant.
Genome position (GRCh38, 1-based): chr5:149,247,895, G>A. VCF-style: chr5-149247895-G-A. GRCh37 (hg19) VCF-style: chr5-148627458-G-A.
Other names: c.1665G>A, p.Leu555= (NM_001301015.3); c.1566G>A, p.Leu522= (NM_001301018.3, NM_001370417.1); c.1332G>A, p.Leu444= (NM_001301028.3, NM_001345860.2, NM_001370418.1); c.1518G>A, p.Leu506= (NM_001345858.2); c.1380G>A, p.Leu460= (NM_001345859.2, NM_001345861.2).
Identifiers: ClinVar variation 91984 (VCV000091984.2), dbSNP rs386352274, ClinGen allele CA232295.